The following is an entry in ClinVar:

NM_032603.5(LOXL3):c.162C>T (p.Tyr54=)

Genes: DOK1 (docking protein 1; plus strand), LOXL3 (lysyl oxidase like 3; minus strand). Cytogenetic location: 2p13.1.
Variant type: single nucleotide variant.
Coding change: c.162C>T on transcript NM_032603.5 (MANE Select); coding-DNA position 162, C replaced by T.
Protein change: p.Tyr54=; no amino-acid change (tyrosine 54 retained).
Molecular consequence: synonymous variant. On other transcripts: intron variant (1).
Genome position (GRCh38, 1-based): chr2:74,552,473, G>A on the plus strand (C>T on the coding strand, the complement: LOXL3 is on the minus strand). VCF-style: chr2-74552473-G-A. GRCh37 (hg19) VCF-style: chr2-74779600-G-A.
Other names: c.162C>T, p.Tyr54= (NM_001289164.3); c.-357-2681G>A (NM_001197260.2).
Identifiers: ClinVar variation 2899141 (VCV002899141.4), dbSNP rs780347605, ClinGen allele CA1729251.

ClinVar aggregate classification (germline): Likely benign. Review status: criteria provided, multiple submitters, no conflicts (2 of 4 stars). 2 submissions from 2 submitters: Likely benign (2). Last evaluated 2026-01-25.

Conditions:
LOXL3-related disorder. Also called: LOXL3-related condition.

Allele frequency attached by ClinVar (database versions not stated): TOPMed 0.00001; gnomAD exomes 0.00005; gnomAD 0.00002; ExAC 0.00003.
gnomAD v4.1: 72 of 1,613,506 alleles (0.0045%); highest among the groups gnomAD compares: South Asian, 0.0066%; no homozygotes.

Submissions (2):

Labcorp Genetics (formerly Invitae), Labcorp
Classification: Likely benign. Last evaluated: 2026-01-25. Review status: criteria provided, single submitter. Criteria: Invitae Variant Classification Sherloc (09022015). Collection method: clinical testing. Allele origin: germline.

PreventionGenetics, part of Exact Sciences
Classification: Likely benign for LOXL3-related condition. Last evaluated: 2025-10-14. Review status: criteria provided, single submitter. Criteria: ACMG Guidelines, 2015. Collection method: clinical testing. Allele origin: germline.
Comment: This variant is classified as likely benign based on ACMG/AMP sequence variant interpretation guidelines (Richards et al. 2015 PMID: 25741868, with internal and published modifications).